The following is an entry in ClinVar:

NM_001384732.1(CPLANE1):c.6607C>T (p.Pro2203Ser)

Gene: CPLANE1 (ciliogenesis and planar polarity effector complex subunit 1; minus strand). Cytogenetic location: 5p13.2.
Variant type: single nucleotide variant.
Coding change: c.6607C>T on transcript NM_001384732.1 (MANE Select); coding-DNA position 6607, C replaced by T.
Protein change: p.Pro2203Ser; replaces proline 2203 with serine.
Molecular consequence: missense variant.
Genome position (GRCh38, 1-based): chr5:37,169,417, G>A on the plus strand (C>T on the coding strand, the complement: CPLANE1 is on the minus strand). VCF-style: chr5-37169417-G-A. GRCh37 (hg19) VCF-style: chr5-37169519-G-A.
Other names: c.6607C>T, p.Pro2203Ser (NM_023073.4); short protein forms P2203S.
Identifiers: ClinVar variation 3695777 (VCV003695777.1).

ClinVar aggregate classification (germline): Uncertain significance (1 of 4 stars; one submission).

gnomAD v4.1: 2 of 1,614,182 alleles (0.00012%); no homozygotes.

Submission:

Labcorp Genetics (formerly Invitae), Labcorp
Classification: Uncertain significance. Last evaluated: 2024-12-12. Review status: criteria provided, single submitter. Criteria: Invitae Variant Classification Sherloc (09022015). Collection method: clinical testing. Allele origin: germline.
Comment: This sequence change replaces proline, which is neutral and non-polar, with serine, which is neutral and polar, at codon 2203 of the CPLANE1 protein (p.Pro2203Ser). This variant is not present in population databases (gnomAD no frequency). This variant has not been reported in the literature in individuals affected with CPLANE1-related conditions. Invitae Evidence Modeling of protein sequence and biophysical properties (such as structural, functional, and spatial information, amino acid conservation, physicochemical variation, residue mobility, and thermodynamic stability) indicates that this missense variant is not expected to disrupt CPLANE1 protein function with a negative predictive value of 95%. In summary, the available evidence is currently insufficient to determine the role of this variant in disease. Therefore, it has been classified as a Variant of Uncertain Significance.